The following is an entry in ClinVar:

NM_014018.3(MRPS28):c.214-8A>G

Genes: MRPS28 (mitochondrial ribosomal protein S28; minus strand), TPD52-MRPS28 (TPD52-MRPS28 readthrough; minus strand). Cytogenetic location: 8q21.13.
Variant type: single nucleotide variant.
Coding change: c.214-8A>G on transcript NM_014018.3 (MANE Select); 8 bases into the intron before coding-DNA position 214, A replaced by G.
Molecular consequence: intron variant.
Genome position (GRCh38, 1-based): chr8:80,003,188, T>C on the plus strand (A>G on the coding strand, the complement: MRPS28 is on the minus strand). VCF-style: chr8-80003188-T-C. GRCh37 (hg19) VCF-style: chr8-80915423-T-C.
Other names: c.436-8A>G (NM_001387778.1).
Identifiers: ClinVar variation 3042346 (VCV003042346.2), dbSNP rs201384563, ClinGen allele CA4789989.
Genomic context (GRCh38, chr8:80,003,188, plus strand): 5'-AGAGGAGAATGTCTCAGCATAGATGCAAAGGATTCCACATTTTTTGGAGAACCCTAAATA[T>C]GAAAAGAGATATTTATATACATATAACTCAACATGAAGGTATAATAAAGTCTTAAAGAAA-3'

ClinVar aggregate classification (germline): Likely benign (0 of 4 stars; one submission).

Conditions:
MRPS28-related disorder. Also called: MRPS28-related condition.

Allele frequency attached by ClinVar (database versions not stated): ESP Exome Variant Server 0.00015.
gnomAD v4.1: 393 of 1,558,786 alleles (0.025%); highest among the groups gnomAD compares: Non-Finnish European, 0.032%; no homozygotes.

Submission:

PreventionGenetics, part of Exact Sciences
Classification: Likely benign for MRPS28-related condition. Last evaluated: 2022-02-28. Review status: no assertion criteria provided. Collection method: clinical testing. Allele origin: germline.
Comment: This variant is classified as likely benign based on ACMG/AMP sequence variant interpretation guidelines (Richards et al. 2015 PMID: 25741868, with internal and published modifications).